The following is an entry in ClinVar:

ClinVar aggregate classification (germline): Uncertain significance. Review status: criteria provided, multiple submitters, no conflicts (2 of 4 stars). 2 submissions from 2 submitters: Uncertain significance (2). Last evaluated 2022-10-13.

Conditions:
Senior-Loken syndrome 8 (SLSN8). Identifiers: Orphanet 3156, MedGen C4225376, MONDO:0014579, OMIM 616307.
Asphyxiating thoracic dystrophy 5 (SRTD5). Also called: SHORT-RIB THORACIC DYSPLASIA 5 WITH OR WITHOUT POLYDACTYLY; SHORT-RIB THORACIC DYSPLASIA 5 WITHOUT POLYDACTYLY. Identifiers: Orphanet 474, MedGen C3280598, MONDO:0013717, OMIM 614376.
Spermatogenic failure 72 (SPGF72). Identifiers: MedGen C5676980, MONDO:0030809, OMIM 619867.
Nephronophthisis 13 (NPHP13). Identifiers: Orphanet 655, MedGen C3280612, MONDO:0013718, OMIM 614377.
Cranioectodermal dysplasia 4 (CED4). Identifiers: Orphanet 1515, MedGen C3280616, MONDO:0013719, OMIM 614378.

Allele frequency attached by ClinVar (database versions not stated): gnomAD exomes below 0.00001; ExAC 0.00001; gnomAD 0.00002; TOPMed 0.00002; ESP Exome Variant Server 0.00008.
gnomAD v4.1: 8 of 1,613,128 alleles (0.0005%); highest among the groups gnomAD compares: African/African-American, 0.0013%; no homozygotes.

Submissions (2):

Labcorp Genetics (formerly Invitae), Labcorp
Classification: Uncertain significance for Senior-Loken syndrome 8; Asphyxiating thoracic dystrophy 5. Last evaluated: 2022-10-13. Review status: criteria provided, single submitter. Criteria: Invitae Variant Classification Sherloc (09022015). Collection method: clinical testing. Allele origin: germline.
Comment: This variant is present in population databases (rs376471437, gnomAD 0.0009%). This sequence change replaces glycine, which is neutral and non-polar, with arginine, which is basic and polar, at codon 115 of the WDR19 protein (p.Gly115Arg). This variant has not been reported in the literature in individuals affected with WDR19-related conditions. In summary, the available evidence is currently insufficient to determine the role of this variant in disease. Therefore, it has been classified as a Variant of Uncertain Significance. Algorithms developed to predict the effect of sequence changes on RNA splicing suggest that this variant may disrupt the consensus splice site. Advanced modeling of protein sequence and biophysical properties (such as structural, functional, and spatial information, amino acid conservation, physicochemical variation, residue mobility, and thermodynamic stability) performed at Invitae indicates that this missense variant is expected to disrupt WDR19 protein function. ClinVar contains an entry for this variant (Variation ID: 1003404).

Fulgent Genetics
Classification: Uncertain significance for Asphyxiating thoracic dystrophy 5; Nephronophthisis 13; Cranioectodermal dysplasia 4; Senior-Loken syndrome 8; Spermatogenic failure 72. Last evaluated: 2022-02-02. Review status: criteria provided, single submitter. Criteria: ACMG Guidelines, 2015. Collection method: clinical testing. Allele origin: unknown.

NM_025132.4(WDR19):c.343G>A (p.Gly115Arg)

Gene: WDR19 (WD repeat domain 19; plus strand). Cytogenetic location: 4p14.
Variant type: single nucleotide variant.
Coding change: c.343G>A on transcript NM_025132.4 (MANE Select); coding-DNA position 343, G replaced by A.
Protein change: p.Gly115Arg; replaces glycine 115 with arginine.
Molecular consequence: missense variant. On other transcripts: intron variant (1).
Genome position (GRCh38, 1-based): chr4:39,194,596, G>A. VCF-style: chr4-39194596-G-A. GRCh37 (hg19) VCF-style: chr4-39196216-G-A.
Other names: c.-75+4815G>A (NM_001317924.2); short protein forms G115R.
Identifiers: ClinVar variation 1003404 (VCV001003404.9), dbSNP rs376471437, ClinGen allele CA2891604.
Genomic context (GRCh38, chr4:39,194,596, plus strand): 5'-TGTTACAGGGATCAAATGTCTTTCCTTCTTTGGTCAAAAGTTGGAAGTTTCCTGGCTGTT[G>A]GAACTGTTAAAGGAAATTTGCTTATTTATAATCATCAGACATCTCGAAAGATTCCTGTCC-3'
Protein context (NP_079408.3, residues 105-125): WSKVGSFLAV[Gly115Arg]TVKGNLLIYN